The following is an entry in ClinVar:

ClinVar aggregate classification (germline): Uncertain significance. Review status: criteria provided, single submitter (1 of 4 stars). 2 submissions from 2 submitters: Uncertain significance (1). 1 of the submissions does not count toward it. Last evaluated 2022-02-03.

Conditions:
Mucopolysaccharidosis, MPS-III-B (MPS3B). Also called: MPS IIIB (Sanfilippo Syndrome Type B); MUCOPOLYSACCHARIDOSIS, TYPE IIIB; Mucopolysaccharidosis type IIIB (Sanfilippo B); N-ACETYL-ALPHA-D-GLUCOSAMINIDASE DEFICIENCY; NAGLU DEFICIENCY; SANFILIPPO SYNDROME B. Identifiers: Orphanet 79270, MedGen C0086648, MONDO:0009656, OMIM 252920.
Charcot-Marie-Tooth disease axonal type 2V. Also called: CHARCOT-MARIE-TOOTH NEUROPATHY, TYPE 2V; CHARCOT-MARIE-TOOTH DISEASE, AXONAL, AUTOSOMAL DOMINANT, TYPE 2V. Identifiers: Orphanet 447964, MedGen C5569050, MONDO:0014665, OMIM 616491.

Allele frequency attached by ClinVar (database versions not stated): gnomAD 0.00001; TOPMed below 0.00001; ExAC 0.00001; gnomAD exomes below 0.00001.
gnomAD v4.1: 4 of 1,612,554 alleles (0.00025%); highest among the groups gnomAD compares: African/African-American, 0.0013%; no homozygotes.

Submissions (2):

Labcorp Genetics (formerly Invitae), Labcorp
Classification: Uncertain significance for Charcot-Marie-Tooth disease axonal type 2V; Mucopolysaccharidosis, MPS-III-B. Last evaluated: 2022-02-03. Review status: criteria provided, single submitter. Criteria: Invitae Variant Classification Sherloc (09022015). Collection method: clinical testing. Allele origin: germline.
Comment: This sequence change replaces serine, which is neutral and polar, with phenylalanine, which is neutral and non-polar, at codon 522 of the NAGLU protein (p.Ser522Phe). This variant is present in population databases (rs764446533, gnomAD 0.004%). This variant has not been reported in the literature in individuals affected with NAGLU-related conditions. ClinVar contains an entry for this variant (Variation ID: 953792). Advanced modeling of protein sequence and biophysical properties (such as structural, functional, and spatial information, amino acid conservation, physicochemical variation, residue mobility, and thermodynamic stability) performed at Invitae indicates that this missense variant is expected to disrupt NAGLU protein function. In summary, the available evidence is currently insufficient to determine the role of this variant in disease. Therefore, it has been classified as a Variant of Uncertain Significance.

Natera, Inc.
Classification: Uncertain significance for Mucopolysaccharidosis type IIIB. Last evaluated: 2020-03-18. Review status: no assertion criteria provided. Collection method: clinical testing. Allele origin: germline. Not counted in ClinVar's aggregate classification.

NM_000263.4(NAGLU):c.1565C>T (p.Ser522Phe)

Gene: NAGLU (N-acetyl-alpha-glucosaminidase; plus strand). Cytogenetic location: 17q21.2.
Variant type: single nucleotide variant.
Coding change: c.1565C>T on transcript NM_000263.4 (MANE Select); coding-DNA position 1565, C replaced by T.
Protein change: p.Ser522Phe; replaces serine 522 with phenylalanine.
Molecular consequence: missense variant.
Genome position (GRCh38, 1-based): chr17:42,543,571, C>T. VCF-style: chr17-42543571-C-T. GRCh37 (hg19) VCF-style: chr17-40695589-C-T.
Other names: short protein forms S522F.
Identifiers: ClinVar variation 953792 (VCV000953792.8), dbSNP rs764446533, ClinGen allele CA8577054.
Genomic context (GRCh38, chr17:42,543,571, plus strand): 5'-ACAACTGCTCCGGGGAGGCCTGCAGGGGCCACAATCGTAGCCCGCTGGTCAGGCGGCCGT[C>T]CCTACAGATGAATACCAGCATCTGGTACAACCGATCTGATGTGTTTGAGGCCTGGCGGCT-3'
Protein context (NP_000254.2, residues 512-532): HNRSPLVRRP[Ser522Phe]LQMNTSIWYN